The following is an entry in ClinVar:

NM_000138.5(FBN1):c.5504G>C (p.Cys1835Ser)

Gene: FBN1 (fibrillin 1; minus strand). Cytogenetic location: 15q21.1.
Variant type: single nucleotide variant.
Coding change: c.5504G>C on transcript NM_000138.5 (MANE Select); coding-DNA position 5504, G replaced by C.
Protein change: p.Cys1835Ser; replaces cysteine 1835 with serine.
Molecular consequence: missense variant.
Genome position (GRCh38, 1-based): chr15:48,452,603, C>G on the plus strand (G>C on the coding strand, the complement: FBN1 is on the minus strand). VCF-style: chr15-48452603-C-G. GRCh37 (hg19) VCF-style: chr15-48744800-C-G.
Other names: short protein forms C1835S.
Identifiers: ClinVar variation 237099 (VCV000237099.9), dbSNP rs111929350, ClinGen allele CA10583242.

ClinVar aggregate classification (germline): Pathogenic (1 of 4 stars; one submission).

Conditions:
Marfan syndrome (MFS). Also called: MARFAN SYNDROME, TYPE I; FBN1-Related Marfan Syndrome; Marfan syndrome, classic; Marfan syndrome type 1; Marfan's syndrome. Identifiers: Orphanet 284963, Orphanet 558, MedGen C0024796, MONDO:0007947, OMIM 154700.
Familial thoracic aortic aneurysm and aortic dissection (TAAD). Also called: Thoracic aortic aneurysms and dissections. Identifiers: Orphanet 91387, MedGen C4707243, MONDO:0019625.

Submission:

Labcorp Genetics (formerly Invitae), Labcorp
Classification: Pathogenic for Marfan syndrome; Familial thoracic aortic aneurysm and aortic dissection. Last evaluated: 2023-08-24. Review status: criteria provided, single submitter. Criteria: Invitae Variant Classification Sherloc (09022015). Collection method: clinical testing. Allele origin: germline.
Comment: This variant disrupts the p.Cys1835 amino acid residue in FBN1. Other variant(s) that disrupt this residue have been observed in individuals with FBN1-related conditions (PMID: 27906200, 34550612), which suggests that this may be a clinically significant amino acid residue. This sequence change replaces cysteine, which is neutral and slightly polar, with serine, which is neutral and polar, at codon 1835 of the FBN1 protein (p.Cys1835Ser). This variant is not present in population databases (gnomAD no frequency). This variant has not been reported in the literature in individuals affected with FBN1-related conditions. ClinVar contains an entry for this variant (Variation ID: 237099). Advanced modeling of protein sequence and biophysical properties (such as structural, functional, and spatial information, amino acid conservation, physicochemical variation, residue mobility, and thermodynamic stability) performed at Invitae indicates that this missense variant is expected to disrupt FBN1 protein function. This variant affects a cysteine residue in the EGF-like, TGFBP or hybrid motif domains of FBN1. Cysteine residues are believed to be involved in intramolecular disulfide bridges and have been shown to be important for FBN1 protein structure (PMID: 16905551, 19349279). In addition, missense substitutions affecting cysteine residues within these domains are significantly overrepresented among patients with Marfan syndrome (PMID: 16571647, 17701892). For these reasons, this variant has been classified as Pathogenic.

Literature cited by the submitters: PubMed 27906200; PubMed 34550612; PubMed 16905551; PubMed 19349279; PubMed 16571647; PubMed 17701892.